The following is an entry in ClinVar:

NM_138694.4(PKHD1):c.130+2T>A

Gene: PKHD1 (PKHD1 ciliary IPT domain containing fibrocystin/polyductin; minus strand). Cytogenetic location: 6p12.2.
Variant type: single nucleotide variant.
Coding change: c.130+2T>A on transcript NM_138694.4 (MANE Select); the canonical splice donor site of the intron after coding-DNA position 130, T replaced by A.
Molecular consequence: splice donor variant.
Genome position (GRCh38, 1-based): chr6:52,083,176, A>T on the plus strand (T>A on the coding strand, the complement: PKHD1 is on the minus strand). VCF-style: chr6-52083176-A-T. GRCh37 (hg19) VCF-style: chr6-51947974-A-T.
Other names: c.130+2T>A (NM_170724.3).
Identifiers: ClinVar variation 4060321 (VCV004060321.2).

ClinVar aggregate classification (germline): Likely pathogenic (1 of 4 stars; one submission).

Conditions:
Autosomal recessive polycystic kidney disease (ARPKD). Also called: AR polycystic kidney disease. Identifiers: Orphanet 731, Orphanet 8378, MedGen C0085548, MeSH D017044, MONDO:0009889.

gnomAD v4.1: 1 of 1,590,266 alleles (0.000063%); highest among the groups gnomAD compares: Non-Finnish European, 0.000086%; no homozygotes.

Submission:

Natera, Inc.
Classification: Likely pathogenic for Autosomal recessive polycystic kidney disease. Last evaluated: 2025-01-28. Review status: criteria provided, single submitter. Criteria: Natera Variant Classification Schema (03/2026). Collection method: clinical testing. Allele origin: germline.
Comment: The c.130+2T>A variant in PKHD1 is a canonical splice donor site variant predicted to affect pre-mRNA splicing, which may result in an abnormal transcript and altered protein product. This variant is expected to result in nonsense mediated decay, truncation, or a dysfunctional protein product. This variant is rare in the general population with a frequency below the threshold expected for the associated phenotype(s). Given the available evidence, this variant is classified as Likely Pathogenic.